The following is an entry in ClinVar:

ClinVar aggregate classification (germline): Benign/Likely benign. Review status: criteria provided, multiple submitters, no conflicts (2 of 4 stars). 3 submissions from 3 submitters: Benign (2); Likely benign (1). Last evaluated 2025-12-02.

Conditions:
LMF1-related disorder. Also called: LMF1-related condition.

Allele frequency attached by ClinVar (database versions not stated): 1000 Genomes Project 30x 0.00094; 1000 Genomes Project 0.00100; gnomAD exomes 0.00109; ExAC 0.00157; ESP Exome Variant Server 0.00016; gnomAD 0.00030 and 0.00046; TOPMed 0.00050.
gnomAD v4.1: 1,027 of 1,609,266 alleles (0.064%); highest among the groups gnomAD compares: East Asian, 1.9%; 12 homozygotes.

Submissions (3):

PreventionGenetics, part of Exact Sciences
Classification: Benign for LMF1-related condition. Last evaluated: 2025-12-02. Review status: criteria provided, single submitter. Criteria: ACMG Guidelines, 2015. Collection method: clinical testing. Allele origin: germline.
Comment: This variant is classified as benign based on ACMG/AMP sequence variant interpretation guidelines (Richards et al. 2015 PMID: 25741868, with internal and published modifications).

Labcorp Genetics (formerly Invitae), Labcorp
Classification: Benign. Last evaluated: 2025-11-06. Review status: criteria provided, single submitter. Criteria: Invitae Variant Classification Sherloc (09022015). Collection method: clinical testing. Allele origin: germline.

Blueprint Genetics
Classification: Likely benign. Last evaluated: 2024-11-27. Review status: criteria provided, single submitter. Criteria: ACMG Guidelines, 2015. Collection method: clinical testing. Allele origin: germline.

NM_022773.4(LMF1):c.1416+9C>T

Gene: LMF1 (lipase maturation factor 1; minus strand). Cytogenetic location: 16p13.3.
Variant type: single nucleotide variant.
Coding change: c.1416+9C>T on transcript NM_022773.4 (MANE Select); 9 bases into the intron after coding-DNA position 1416, C replaced by T.
Molecular consequence: intron variant.
Genome position (GRCh38, 1-based): chr16:869,874, G>A on the plus strand (C>T on the coding strand, the complement: LMF1 is on the minus strand). VCF-style: chr16-869874-G-A. GRCh37 (hg19) VCF-style: chr16-919874-G-A.
Other names: c.1089+9C>T (NM_001352019.2); c.765+9C>T (NM_001352017.2, NM_001352021.2); c.1017+9C>T (NM_001352018.2); c.1336+89C>T (NM_001352020.1); c.1416+9C>T (NM_022773.2).
Identifiers: ClinVar variation 1648745 (VCV001648745.10), dbSNP rs142224154, ClinGen allele CA7797037.